The following is an entry in ClinVar:

NR_199791.1(RNU2-2):n.128C>T

Genes: RNU2-2 (RNA, U2 small nuclear 2; minus strand), WDR74 (WD repeat domain 74; minus strand). Cytogenetic location: 11q12.3.
Variant type: single nucleotide variant.
Molecular consequence: non-coding transcript variant (on NR_199791.1). On other transcripts: 5 prime UTR variant (1).
Genome position: GRCh38 VCF-style: chr11-62841682-G-A. GRCh37 (hg19) VCF-style: chr11-62609154-G-A.
Other names: c.-411C>T (NM_001369451.1).
Identifiers: ClinVar variation 4540516 (VCV004540516.1).

ClinVar aggregate classification (germline): Uncertain significance (1 of 4 stars; one submission).

Submission:

Institute for Human Genetics, University Hospital Essen
Classification: Uncertain significance. Last evaluated: 2025-11-27. Review status: criteria provided, single submitter. Criteria: Submitter's publication. Collection method: clinical testing. Allele origin: inherited. Inheritance: Autosomal unknown. Affected: yes. Observed: 3 variant alleles, 2 compound heterozygotes, 1 homozygote.
Comment: PS4_supp, PM1_supp (criteria rationale detailed in Leitão et al. Nature Genetics 2026)